The following continues an entry in ClinVar:

NM_000051.4(ATM):c.875C>T (p.Pro292Leu)

Gene: ATM. ClinVar aggregate classification (germline): Likely pathogenic. Likely pathogenic (1).

Submissions 7 to 19 of 19:

Natera, Inc.
Classification: Likely pathogenic for Ataxia-telangiectasia. Last evaluated: 2024-06-04. Review status: criteria provided, single submitter. Criteria: Natera Variant Classification Schema (03/2026). Collection method: clinical testing. Allele origin: germline. Not counted in ClinVar's aggregate classification.
Comment: The c.875C>T variant in ATM is a missense variant predicted to cause substitution of proline to leucine at amino acid 292. This variant is rare in the general population with a frequency below the threshold expected for the associated phenotype(s). This variant has been observed in one or more individuals affected with the associated recessive disease, as either homozygous or compound heterozygous with a second variant (PMID: 18634022, 23264026, 18634022). Computational prediction algorithms indicate this variant is likely to affect gene or protein function. Given the available evidence, this variant is classified as Likely Pathogenic.

Quest Diagnostics Nichols Institute San Juan Capistrano
Classification: Likely pathogenic. Last evaluated: 2024-05-14. Review status: criteria provided, single submitter. Criteria: Quest Diagnostics criteria. Collection method: clinical testing. Allele origin: unknown. Not counted in ClinVar's aggregate classification.
Comment: The ATM c.875C>T (p.Pro292Leu) variant has been reported in the published literature in individuals with ataxia telangiectasia (PMID: 9463314 (1998), 10873394 (2000), 18634022 (2009), 21792198 (2011), 23264026 (2013), 26896183 (2016), 30549301 (2019)) and breast cancer (PMID: 33471991 (2021), see also LOVD). Assessment of experimental evidence suggests this variant results in abnormal protein function (PMID: 18634022 (2009), 19431188 (2009), 32694154 (2020)). The frequency of this variant in the general population, 0.000011 (3/279556 chromosomes (Genome Aggregation Database)), is consistent with pathogenicity. Analysis of this variant using bioinformatics tools for the prediction of the effect of amino acid changes on protein structure and function yielded predictions that this variant is damaging. Based on the available information, this variant is classified as likely pathogenic.

Ambry Genetics
Classification: Pathogenic for Hereditary cancer-predisposing syndrome. Last evaluated: 2024-05-10. Review status: criteria provided, single submitter. Criteria: Ambry Variant Classification Scheme 2023. Collection method: clinical testing. Allele origin: germline. Not counted in ClinVar's aggregate classification.
Comment: The p.P292L pathogenic mutation (also known as c.875C>T), located in coding exon 6 of the ATM gene, results from a C to T substitution at nucleotide position 875. The proline at codon 292 is replaced by leucine, an amino acid with similar properties. This alteration has been detected both as the only mutation and in conjunction with a second mutation in individuals with a clinical diagnosis of ataxia-telangiectasia (A-T), two of whom have had a typical phenotype and two of whom had a mild phenotype (Stankovic T et al. Am. J. Hum. Genet. 1998 Feb;62:334-45; Becker-Catania SG et al. Mol. Genet. Metab. 2000 Jun;70:122-33; Mitui M et al. Hum. Mutat., 2009 Jan;30:12-21; Schon K et al. Ann. Neurol., 2019 02;85:170-180). This alteration was also identified in individuals diagnosed with breast and/or ovarian cancer (Kansuttiviwat C et al. NPJ Genom Med, 2024 Feb;9:9). Functional analyses of p.P292L have shown reduced kinase activity, reduced protein levels, and increased radiosensitivity compared to wildtype ATM (Mitui M et al. Hum. Mutat., 2009 Jan;30:12-21; Barone G et al. Hum. Mutat., 2009 Aug;30:1222-30). This amino acid position is highly conserved in available vertebrate species. In addition, this alteration is predicted to be deleterious by in silico analysis. Based on the supporting evidence, this variant is interpreted as a disease-causing mutation.

Women's Health and Genetics/Laboratory Corporation of America, LabCorp
Classification: Pathogenic for Ataxia-telangiectasia syndrome. Last evaluated: 2024-03-19. Review status: criteria provided, single submitter. Criteria: LabCorp Variant Classification Summary - May 2015. Collection method: clinical testing. Allele origin: germline. Not counted in ClinVar's aggregate classification.
Comment: Variant summary: ATM c.875C>T (p.Pro292Leu) results in a non-conservative amino acid change in the encoded protein sequence. Five of five in-silico tools predict a damaging effect of the variant on protein function. The variant allele was found at a frequency of 8.1e-06 in 248178 control chromosomes. c.875C>T has been reported in the literature in multiple individuals affected with Ataxia-Telangiectasia (eg: Mitui_2009, Schon_2019, Reiman_2011, Jackson_2016). These data indicate that the variant is very likely to be associated with disease. Experimental evidence has shown the variant leads to reduced or absent ATM kinase activity (Barone_2009, Mitui_2009). The following publications have been ascertained in the context of this evaluation (PMID: 18634022, 30549301, 21792198, 26896183, 19431188). ClinVar contains an entry for this variant (Variation ID: 229794). Based on the evidence outlined above, the variant was classified as pathogenic.

Myriad Genetics, Inc.
Classification: Likely pathogenic for Familial cancer of breast. Last evaluated: 2024-01-11. Review status: criteria provided, single submitter. Criteria: Myriad Autosomal Dominant, Autosomal Recessive and X-Linked Classification Criteria (2023). Collection method: clinical testing. Allele origin: unknown. Not counted in ClinVar's aggregate classification.
Comment: This variant is considered likely pathogenic. This variant has been reported in multiple individuals with clinical features of gene-specific disease [PMID: 10873394, 12552559, 21792198, 23264026]. Functional studies indicate this variant impacts protein function [PMID: 18634022, 19431188, 21792198].

Baylor Genetics
Classification: Pathogenic for Familial cancer of breast. Last evaluated: 2023-03-15. Review status: criteria provided, single submitter. Criteria: ACMG Guidelines, 2015. Collection method: clinical testing. Allele origin: unknown. Not counted in ClinVar's aggregate classification.

Institute of Medical Genetics and Applied Genomics, University Hospital Tübingen
Classification: Likely pathogenic. Last evaluated: 2020-10-23. Review status: criteria provided, single submitter. Criteria: ACMG Guidelines, 2015. Collection method: clinical testing. Allele origin: germline. Inheritance: Autosomal unknown. Affected: yes. Not counted in ClinVar's aggregate classification.

Revvity Omics, Revvity
Classification: Likely pathogenic for Ataxia-telangiectasia syndrome. Last evaluated: 2019-02-04. Review status: criteria provided, single submitter. Criteria: ACMG Guidelines, 2015. Collection method: clinical testing. Allele origin: germline. Not counted in ClinVar's aggregate classification.

Laboratory for Genotyping Development, RIKEN
Classification: Pathogenic for Gastric cancer. Last evaluated: 2021-07-01. Review status: no assertion criteria provided. Collection method: research. Allele origin: germline. Not counted in ClinVar's aggregate classification.

Counsyl
Classification: Likely pathogenic for Ataxia-telangiectasia syndrome. Last evaluated: 2018-05-04. Review status: no assertion criteria provided. Collection method: clinical testing. Allele origin: unknown. Not counted in ClinVar's aggregate classification.

Diagnostic Laboratory, Department of Genetics, University Medical Center Groningen
Classification: Likely pathogenic. Review status: no assertion criteria provided. Collection method: clinical testing. Allele origin: germline. Affected: yes. Study: VKGL Data-share Consensus. Not counted in ClinVar's aggregate classification.

Joint Genome Diagnostic Labs from Nijmegen and Maastricht, Radboudumc and MUMC+
Classification: Likely pathogenic. Review status: no assertion criteria provided. Collection method: clinical testing. Allele origin: germline. Affected: yes. Study: VKGL Data-share Consensus. Not counted in ClinVar's aggregate classification.

Medical Genetics Laboratory, Umraniye Training and Research Hospital, University of Health Sciences
Classification: Likely pathogenic for Breast carcinoma. Review status: no assertion criteria provided. Collection method: clinical testing. Allele origin: germline. Inheritance: Autosomal dominant inheritance. Affected: yes. Not counted in ClinVar's aggregate classification.

Literature cited by the submitters: PubMed 10873394 (cited by 5 submitters); PubMed 18634022 (cited by 9 submitters); PubMed 19431188 (cited by 8 submitters); PubMed 23264026 (cited by 6 submitters); PubMed 30549301 (cited by 5 submitters); PubMed 26506520 (cited by Victorian Clinical Genetics Services, Murdoch Childrens Research Institute); PubMed 27884168 (cited by Victorian Clinical Genetics Services, Murdoch Childrens Research Institute); PubMed 27978560 (cited by Victorian Clinical Genetics Services, Murdoch Childrens Research Institute); PubMed 22585167 (cited by Victorian Clinical Genetics Services, Murdoch Childrens Research Institute); PubMed 27595995 (cited by Victorian Clinical Genetics Services, Murdoch Childrens Research Institute); PubMed 20301790 (cited by Victorian Clinical Genetics Services, Murdoch Childrens Research Institute); PubMed 32957588 (cited by Color Diagnostics, LLC DBA Color Health and Quest Diagnostics Nichols Institute San Juan Capistrano); PubMed 38355628 (cited by Color Diagnostics, LLC DBA Color Health and Ambry Genetics); PubMed 31341520 (cited by Quest Diagnostics Nichols Institute San Juan Capistrano); PubMed 33471991 (cited by Quest Diagnostics Nichols Institute San Juan Capistrano); PubMed 26896183 (cited by Quest Diagnostics Nichols Institute San Juan Capistrano and Women's Health and Genetics/Laboratory Corporation of America, LabCorp); PubMed 31948886 (cited by Quest Diagnostics Nichols Institute San Juan Capistrano); PubMed 32694154 (cited by Quest Diagnostics Nichols Institute San Juan Capistrano); PubMed 9463314 (cited by Quest Diagnostics Nichols Institute San Juan Capistrano and Ambry Genetics); PubMed 12552559 (cited by Quest Diagnostics Nichols Institute San Juan Capistrano and Myriad Genetics, Inc.); PubMed 21792198 (cited by 3 submitters); PubMed 15928302 (cited by Quest Diagnostics Nichols Institute San Juan Capistrano); PubMed 25040471 (cited by Quest Diagnostics Nichols Institute San Juan Capistrano); PubMed 12072877 (cited by Quest Diagnostics Nichols Institute San Juan Capistrano); PubMed 22529920 (cited by Ambry Genetics); PubMed 36988593 (cited by Laboratory for Genotyping Development, RIKEN).